The following is an entry in ClinVar:

NM_006019.4(TCIRG1):c.1020G>C (p.Ser340=)

Gene: TCIRG1 (T cell immune regulator 1, ATPase H+ transporting V0 subunit a3; plus strand). Cytogenetic location: 11q13.2.
Variant type: single nucleotide variant.
Coding change: c.1020G>C on transcript NM_006019.4 (MANE Select); coding-DNA position 1020, G replaced by C.
Protein change: p.Ser340=; no amino-acid change (serine 340 retained).
Molecular consequence: synonymous variant.
Genome position (GRCh38, 1-based): chr11:68,044,344, G>C. VCF-style: chr11-68044344-G-C. GRCh37 (hg19) VCF-style: chr11-67811811-G-C.
Other names: c.126G>C, p.Ser42= (NM_001351059.2); c.372G>C, p.Ser124= (NM_006053.4).
Identifiers: ClinVar variation 1428657 (VCV001428657.6), dbSNP rs144158792, ClinGen allele CA6146869.
Genomic context (GRCh38, chr11:68,044,344, plus strand): 5'-CGAGGCCTGGTGCTCTGTGCGAGACCTGCCCGCCCTGCAGGAGGCCCTGCGGGACAGCTC[G>C]GTGAGCAGCCTGAGGCCTCGCCCCCTCTCCGCCCGCCCCTCCTACCAGGCCGGGGCGTTT-3'
Protein context (NP_006010.2, residues 330-350): PALQEALRDS[Ser340=]MEEGVSAVAH

ClinVar aggregate classification (germline): Uncertain significance. Review status: criteria provided, multiple submitters, no conflicts (2 of 4 stars). 2 submissions from 2 submitters: Uncertain significance (2). Last evaluated 2026-03-02.

gnomAD v4.1: 39 of 1,577,070 alleles (0.0025%); highest among the groups gnomAD compares: Middle Eastern, 0.04%; no homozygotes.

Submissions (2):

Women's Health and Genetics/Laboratory Corporation of America, LabCorp
Classification: Uncertain significance. Last evaluated: 2026-03-02. Review status: criteria provided, single submitter. Criteria: LabCorp Variant Classification Summary - May 2015. Collection method: clinical testing. Allele origin: germline.
Comment: Variant summary: TCIRG1 c.1020G>C (p.Ser340Ser) alters a conserved nucleotide located close to a canonical splice site and therefore could affect mRNA splicing, leading to a significantly altered protein sequence. Several computational tools predict a significant impact on normal splicing: One predict the variant abolishes a 5' splicing donor site. Three predict the variant weakens a 5' donor site. However, these predictions have yet to be confirmed by functional studies. The variant allele was found at a frequency of 6.1e-05 in 180050 control chromosomes. This frequency is not significantly higher than estimated for disease-causing variants in TCIRG1, allowing no conclusion about variant significance. To our knowledge, no occurrence of c.1020G>C in individuals affected with TCIRG1-related conditions and no experimental evidence demonstrating its impact on protein function have been reported. ClinVar contains an entry for this variant (Variation ID: 1428657). Based on the evidence outlined above, the variant was classified as uncertain significance.

Labcorp Genetics (formerly Invitae), Labcorp
Classification: Uncertain significance. Last evaluated: 2024-10-03. Review status: criteria provided, single submitter. Criteria: Invitae Variant Classification Sherloc (09022015). Collection method: clinical testing. Allele origin: germline.
Comment: This sequence change affects codon 340 of the TCIRG1 mRNA. It is a 'silent' change, meaning that it does not change the encoded amino acid sequence of the TCIRG1 protein. This variant also falls at the last nucleotide of exon 9, which is part of the consensus splice site for this exon. This variant is present in population databases (rs144158792, gnomAD 0.04%). This variant has not been reported in the literature in individuals affected with TCIRG1-related conditions. ClinVar contains an entry for this variant (Variation ID: 1428657). Variants that disrupt the consensus splice site are a relatively common cause of aberrant splicing (PMID: 17576681, 9536098). Algorithms developed to predict the effect of sequence changes on RNA splicing suggest that this variant may disrupt the consensus splice site. In summary, the available evidence is currently insufficient to determine the role of this variant in disease. Therefore, it has been classified as a Variant of Uncertain Significance.

Literature cited by the submitters: PubMed 17576681 (cited by Labcorp Genetics (formerly Invitae), Labcorp); PubMed 9536098 (cited by Labcorp Genetics (formerly Invitae), Labcorp).